The following is an entry in ClinVar:

NM_002528.7(NTHL1):c.266T>A (p.Val89Asp)

Gene: NTHL1 (nth like DNA glycosylase 1; minus strand). Cytogenetic location: 16p13.3.
Variant type: single nucleotide variant.
Coding change: c.266T>A on transcript NM_002528.7 (MANE Select); coding-DNA position 266, T replaced by A.
Protein change: p.Val89Asp; replaces valine 89 with aspartic acid.
Molecular consequence: missense variant. On other transcripts: intron variant (1).
Genome position (GRCh38, 1-based): chr16:2,046,216, A>T on the plus strand (T>A on the coding strand, the complement: NTHL1 is on the minus strand). VCF-style: chr16-2046216-A-T. GRCh37 (hg19) VCF-style: chr16-2096217-A-T.
Other names: c.266T>A, p.Val89Asp (NM_001318193.2); c.24+64T>A (NM_001318194.2); short protein forms V89D.
Identifiers: ClinVar variation 1797571 (VCV001797571.5), dbSNP rs1596222888, ClinGen allele CA394296971.

ClinVar aggregate classification (germline): Uncertain significance. Review status: criteria provided, multiple submitters, no conflicts (2 of 4 stars). 2 submissions from 2 submitters: Uncertain significance (2). Last evaluated 2023-05-19.

Conditions:
Hereditary cancer-predisposing syndrome. Also called: Neoplastic Syndromes, Hereditary; Tumor predisposition; Hereditary Cancer Syndrome; Hereditary neoplastic syndrome. Identifiers: Orphanet 140162, MedGen C0027672, MeSH D009386, MONDO:0015356.

Allele frequency attached by ClinVar (database versions not stated): gnomAD exomes below 0.00001.
gnomAD v4.1: 2 of 1,613,086 alleles (0.00012%); highest among the groups gnomAD compares: East Asian, 0.0045%; no homozygotes.

Submissions (2):

Labcorp Genetics (formerly Invitae), Labcorp
Classification: Uncertain significance. Last evaluated: 2023-05-19. Review status: criteria provided, single submitter. Criteria: Invitae Variant Classification Sherloc (09022015). Collection method: clinical testing. Allele origin: germline.
Comment: In summary, the available evidence is currently insufficient to determine the role of this variant in disease. Therefore, it has been classified as a Variant of Uncertain Significance. Algorithms developed to predict the effect of missense changes on protein structure and function output the following: SIFT: "Not Available"; PolyPhen-2: "Benign"; Align-GVGD: "Not Available". The aspartic acid amino acid residue is found in multiple mammalian species, which suggests that this missense change does not adversely affect protein function. ClinVar contains an entry for this variant (Variation ID: 1797571). This variant has not been reported in the literature in individuals affected with NTHL1-related conditions. This variant is not present in population databases (gnomAD no frequency). This sequence change replaces valine, which is neutral and non-polar, with aspartic acid, which is acidic and polar, at codon 97 of the NTHL1 protein (p.Val97Asp).

Ambry Genetics
Classification: Uncertain significance for Hereditary cancer-predisposing syndrome. Last evaluated: 2020-09-29. Review status: criteria provided, single submitter. Criteria: Ambry Variant Classification Scheme 2023. Collection method: clinical testing. Allele origin: germline.
Comment: The p.V97D variant (also known as c.290T>A), located in coding exon 2 of the NTHL1 gene, results from a T to A substitution at nucleotide position 290. The valine at codon 97 is replaced by aspartic acid, an amino acid with highly dissimilar properties. This amino acid position is poorly conserved in available vertebrate species. In addition, this alteration is predicted to be tolerated by in silico analysis. Since supporting evidence is limited at this time, the clinical significance of this alteration remains unclear.